The following is an entry in ClinVar:

NM_012418.4(FSCN2):c.1390C>T (p.Arg464Trp)

Gene: FSCN2 (fascin actin-bundling protein 2, retinal; plus strand). Cytogenetic location: 17q25.3.
Variant type: single nucleotide variant.
Coding change: c.1390C>T on transcript NM_012418.4 (MANE Select); coding-DNA position 1390, C replaced by T.
Protein change: p.Arg464Trp; replaces arginine 464 with tryptophan.
Molecular consequence: missense variant.
Genome position (GRCh38, 1-based): chr17:81,536,991, C>T. VCF-style: chr17-81536991-C-T. GRCh37 (hg19) VCF-style: chr17-79504017-C-T.
Other names: c.1462C>T, p.Arg488Trp (NM_001077182.3); short protein forms R464W, R488W.
Identifiers: ClinVar variation 1482525 (VCV001482525.6), dbSNP rs758903366, ClinGen allele CA401478834.

ClinVar aggregate classification (germline): Uncertain significance (1 of 4 stars; one submission).

Submission:

Labcorp Genetics (formerly Invitae), Labcorp
Classification: Uncertain significance. Last evaluated: 2023-12-01. Review status: criteria provided, single submitter. Criteria: Invitae Variant Classification Sherloc (09022015). Collection method: clinical testing. Allele origin: germline.
Comment: This sequence change replaces arginine, which is basic and polar, with tryptophan, which is neutral and slightly polar, at codon 488 of the FSCN2 protein (p.Arg488Trp). This variant is not present in population databases (gnomAD no frequency). This variant has not been reported in the literature in individuals affected with FSCN2-related conditions. ClinVar contains an entry for this variant (Variation ID: 1482525). An algorithm developed to predict the effect of missense changes on protein structure and function (PolyPhen-2) suggests that this variant is likely to be disruptive. In summary, the available evidence is currently insufficient to determine the role of this variant in disease. Therefore, it has been classified as a Variant of Uncertain Significance.